The following is an entry in ClinVar:

NM_001130698.2(TRPC3):c.1268G>A (p.Cys423Tyr)

Gene: TRPC3 (transient receptor potential cation channel subfamily C member 3; minus strand). Cytogenetic location: 4q27.
Variant type: single nucleotide variant.
Coding change: c.1268G>A on transcript NM_001130698.2 (MANE Select); coding-DNA position 1268, G replaced by A.
Protein change: p.Cys423Tyr; replaces cysteine 423 with tyrosine.
Molecular consequence: missense variant.
Genome position (GRCh38, 1-based): chr4:121,914,853, C>T on the plus strand (G>A on the coding strand, the complement: TRPC3 is on the minus strand). VCF-style: chr4-121914853-C-T. GRCh37 (hg19) VCF-style: chr4-122836008-C-T.
Other names: c.1268G>A (NM_001130698.1); c.1268G>A, p.Cys423Tyr (NM_001366479.2); c.1049G>A, p.Cys350Tyr (NM_003305.2); short protein forms C350Y, C423Y.
Identifiers: ClinVar variation 1048950 (VCV001048950.2), dbSNP rs199527931, ClinGen allele CA3064985.
Genomic context (GRCh38, chr4:121,914,853, plus strand): 5'-GCGATCCAGTAGCCAATGGCCAGGAATGGAAGGCCCAGGGCCACGACCAGCACAACGAGA[C>T]ACTTGATAGCTATGGTCTGCTCCCTTAGGCCTGAGAGGTTCTCATACCAGATCGTCAAGA-3'
Protein context (NP_001124170.1, residues 413-433): GLREQTIAIK[Cys423Tyr]LVVLVVALGL

ClinVar aggregate classification (germline): Uncertain significance. Review status: criteria provided, single submitter (1 of 4 stars). 2 submissions from 2 submitters: Uncertain significance (1). 1 of the submissions does not count toward it. Last evaluated 2025-11-20.

Allele frequency attached by ClinVar (database versions not stated): ExAC 0.00007; gnomAD exomes 0.00007 and 0.00002; TOPMed 0.00002; gnomAD 0.00002.
gnomAD v4.1: 34 of 1,613,832 alleles (0.0021%); highest among the groups gnomAD compares: South Asian, 0.0022%; no homozygotes.

Submissions (2):

Ambry Genetics
Classification: Uncertain significance. Last evaluated: 2025-11-20. Review status: criteria provided, single submitter. Criteria: Ambry Variant Classification Scheme 2023. Collection method: clinical testing. Allele origin: germline.

Department of Pathology and Laboratory Medicine, Sinai Health System
Classification: Uncertain significance. Review status: no assertion criteria provided. Collection method: clinical testing. Allele origin: unknown. Affected: yes. Study: The Canadian Open Genetics Repository (COGR). Not counted in ClinVar's aggregate classification.
Comment: The TRPC3 p.Cys350Tyr variant was not identified in the literature nor was it identified in ClinVar or LOVD 3.0. The variant was identified in dbSNP (ID: rs199527931) and in control databases in 18 of 251302 chromosomes at a frequency of 0.00007163 (Genome Aggregation Database March 6, 2019, v2.1.1). The variant was observed in the following populations: Ashkenazi Jewish in 15 of 10078 chromosomes (freq: 0.001488), South Asian in 1 of 30612 chromosomes (freq: 0.000033) and European (non-Finnish) in 2 of 113652 chromosomes (freq: 0.000018), but was not observed in the African, Latino, East Asian, European (Finnish), or Other populations. The p.Cys350 residue is conserved in mammals and computational analyses (PolyPhen-2, SIFT, AlignGVGD, BLOSUM, MutationTaster) provide inconsistent predictions regarding the impact to the protein; this information is not very predictive of pathogenicity. The variant occurs outside of the splicing consensus sequence and three of four in silico or computational prediction software programs (SpliceSiteFinder, MaxEntScan, NNSPLICE, GeneSplicer) do not predict a greater than 10% difference in splicing; this is not very predictive of pathogenicity. In summary, based on the above information the clinical significance of this variant cannot be determined with certainty at this time. This variant is classified as a variant of uncertain significance.